The following is an entry in ClinVar:

ClinVar aggregate classification (germline): Uncertain significance. Review status: criteria provided, multiple submitters, no conflicts (2 of 4 stars). 3 submissions from 3 submitters: Uncertain significance (3). Last evaluated 2025-12-03.

Conditions:
PRX-related disorder. Also called: PRX-Related Disorders; PRX-related condition.
Charcot-Marie-Tooth disease type 4. Also called: Charcot-Marie-Tooth disease, type IV; Charcot-Marie-Tooth, Type 4. Identifiers: Orphanet 64749, MedGen C4082197, MONDO:0018995.

Allele frequency attached by ClinVar (database versions not stated): gnomAD 0.00005 and 0.00006; TOPMed 0.00008.

Submissions (3):

PreventionGenetics, part of Exact Sciences
Classification: Uncertain significance for PRX-related condition. Last evaluated: 2025-12-03. Review status: criteria provided, single submitter. Criteria: ACMG Guidelines, 2015. Collection method: clinical testing. Allele origin: germline.
Comment: The PRX c.154C>A variant is predicted to result in the amino acid substitution p.Pro52Thr. To our knowledge, this variant has not been reported in the literature. This variant is reported in 0.022% of alleles in individuals of African descent in gnomAD. At this time, the clinical significance of this variant is uncertain due to the absence of conclusive functional and genetic evidence.

Labcorp Genetics (formerly Invitae), Labcorp
Classification: Uncertain significance for Charcot-Marie-Tooth disease type 4. Last evaluated: 2022-08-18. Review status: criteria provided, single submitter. Criteria: Invitae Variant Classification Sherloc (09022015). Collection method: clinical testing. Allele origin: germline.
Comment: In summary, the available evidence is currently insufficient to determine the role of this variant in disease. Therefore, it has been classified as a Variant of Uncertain Significance. Algorithms developed to predict the effect of missense changes on protein structure and function are either unavailable or do not agree on the potential impact of this missense change (SIFT: "Deleterious"; PolyPhen-2: "Benign"; Align-GVGD: "Class C0"). ClinVar contains an entry for this variant (Variation ID: 1010013). This variant has not been reported in the literature in individuals affected with PRX-related conditions. This variant is present in population databases (no rsID available, gnomAD 0.02%). This sequence change replaces proline, which is neutral and non-polar, with threonine, which is neutral and polar, at codon 52 of the PRX protein (p.Pro52Thr).

GeneDx
Classification: Uncertain significance. Last evaluated: 2021-04-14. Review status: criteria provided, single submitter. Criteria: GeneDx Variant Classification Process June 2021. Collection method: clinical testing. Allele origin: germline. Affected: yes.
Comment: In silico analysis supports that this missense variant has a deleterious effect on protein structure/function; Has not been previously published as pathogenic or benign to our knowledge

NM_181882.3(PRX):c.154C>A (p.Pro52Thr)

Genes: PRX (periaxin; minus strand), LOC130064454 (ATAC-STARR-seq lymphoblastoid active region 14650; plus strand). Cytogenetic location: 19q13.2.
Variant type: single nucleotide variant.
Coding change: c.154C>A on transcript NM_181882.3 (MANE Select); coding-DNA position 154, C replaced by A.
Protein change: p.Pro52Thr; replaces proline 52 with threonine.
Molecular consequence: missense variant.
Genome position (GRCh38, 1-based): chr19:40,403,736, G>T on the plus strand (C>A on the coding strand, the complement: PRX is on the minus strand). VCF-style: chr19-40403736-G-T. GRCh37 (hg19) VCF-style: chr19-40909643-G-T.
Other names: c.154C>A, p.Pro52Thr (NM_020956.2); short protein forms P52T.
Identifiers: ClinVar variation 1010013 (VCV001010013.12), dbSNP rs1012350923, ClinGen allele CA308426093.